The following is an entry in ClinVar:

ClinVar aggregate classification (germline): Uncertain significance (1 of 4 stars; one submission).

gnomAD v4.1: 1 of 1,614,018 alleles (0.000062%); no homozygotes.

Submission:

Labcorp Genetics (formerly Invitae), Labcorp
Classification: Uncertain significance. Last evaluated: 2025-07-30. Review status: criteria provided, single submitter. Criteria: Invitae Variant Classification Sherloc (09022015). Collection method: clinical testing. Allele origin: germline.
Comment: This sequence change replaces arginine, which is basic and polar, with isoleucine, which is neutral and non-polar, at codon 788 of the ENPP1 protein (p.Arg788Ile). This variant is present in population databases (no rsID available, gnomAD no frequency). This variant has not been reported in the literature in individuals affected with ENPP1-related conditions. Invitae Evidence Modeling of protein sequence and biophysical properties (such as structural, functional, and spatial information, amino acid conservation, physicochemical variation, residue mobility, and thermodynamic stability) has been performed for this missense variant. However, the output from this modeling did not meet the statistical confidence thresholds required to predict the impact of this variant on ENPP1 protein function. In summary, the available evidence is currently insufficient to determine the role of this variant in disease. Therefore, it has been classified as a Variant of Uncertain Significance.

NM_006208.3(ENPP1):c.2363G>T (p.Arg788Ile)

Gene: ENPP1 (ectonucleotide pyrophosphatase/phosphodiesterase 1; plus strand). Cytogenetic location: 6q23.2.
Variant type: single nucleotide variant.
Coding change: c.2363G>T on transcript NM_006208.3 (MANE Select); coding-DNA position 2363, G replaced by T.
Protein change: p.Arg788Ile; replaces arginine 788 with isoleucine.
Molecular consequence: missense variant.
Genome position (GRCh38, 1-based): chr6:131,884,982, G>T. VCF-style: chr6-131884982-G-T. GRCh37 (hg19) VCF-style: chr6-132206122-G-T.
Other names: short protein forms R788I.
Identifiers: ClinVar variation 4767585 (VCV004767585.1).